The following is an entry in ClinVar:

ClinVar aggregate classification (germline): Uncertain significance (1 of 4 stars; one submission).

Allele frequency attached by ClinVar (database versions not stated): gnomAD exomes below 0.00001.

Submission:

CeGaT Center for Human Genetics Tuebingen
Classification: Uncertain significance. Last evaluated: 2023-09-01. Review status: criteria provided, single submitter. Criteria: CeGaT Center For Human Genetics Tuebingen Variant Classification Criteria Version 2. Collection method: clinical testing. Allele origin: germline. Affected: yes. Observed: 1 variant allele.
Comment: KCNA2: PM2, PP2

NM_004974.4(KCNA2):c.512T>C (p.Met171Thr)

Gene: KCNA2 (potassium voltage-gated channel subfamily A member 2; minus strand). Cytogenetic location: 1p13.3.
Variant type: single nucleotide variant.
Coding change: c.512T>C on transcript NM_004974.4 (MANE Select); coding-DNA position 512, T replaced by C.
Protein change: p.Met171Thr; replaces methionine 171 with threonine.
Molecular consequence: missense variant.
Genome position (GRCh38, 1-based): chr1:110,604,271, A>G on the plus strand (T>C on the coding strand, the complement: KCNA2 is on the minus strand). VCF-style: chr1-110604271-A-G. GRCh37 (hg19) VCF-style: chr1-111146893-A-G.
Other names: c.512T>C, p.Met171Thr (NM_001204269.2); short protein forms M171T.
Identifiers: ClinVar variation 2638990 (VCV002638990.24), dbSNP rs2524620952, ClinGen allele CA341603894.